The following is an entry in ClinVar:

NM_024301.5(FKRP):c.478G>T (p.Val160Phe)

Gene: FKRP (fukutin related protein; plus strand). Cytogenetic location: 19q13.32.
Variant type: single nucleotide variant.
Coding change: c.478G>T on transcript NM_024301.5 (MANE Select); coding-DNA position 478, G replaced by T.
Protein change: p.Val160Phe; replaces valine 160 with phenylalanine.
Molecular consequence: missense variant.
Genome position (GRCh38, 1-based): chr19:46,755,928, G>T. VCF-style: chr19-46755928-G-T. GRCh37 (hg19) VCF-style: chr19-47259185-G-T.
Other names: c.478G>T, p.Val160Phe (NM_001039885.3); short protein forms V160F.
Identifiers: ClinVar variation 971369 (VCV000971369.8), dbSNP rs1314476567, ClinGen allele CA406495405.

ClinVar aggregate classification (germline): Pathogenic (1 of 4 stars; one submission).

Conditions:
Walker-Warburg congenital muscular dystrophy. Also called: Muscular dystrophy-dystroglycanopathy, type A; Walker-Warburg syndrome. Identifiers: Orphanet 899, MedGen C0265221, MONDO:0000171.

Submission:

Labcorp Genetics (formerly Invitae), Labcorp
Classification: Pathogenic for Walker-Warburg congenital muscular dystrophy. Last evaluated: 2025-11-03. Review status: criteria provided, single submitter. Criteria: Invitae Variant Classification Sherloc (09022015). Collection method: clinical testing. Allele origin: germline.
Comment: This sequence change replaces valine, which is neutral and non-polar, with phenylalanine, which is neutral and non-polar, at codon 160 of the FKRP protein (p.Val160Phe). This variant is not present in population databases (gnomAD no frequency). This missense change has been observed in individual(s) with FKRP-related conditions (PMID: 1464708, 16344347, 18645206, 21293871; internal data). In at least one individual the data is consistent with being in trans (on the opposite chromosome) from a pathogenic variant. ClinVar contains an entry for this variant (Variation ID: 971369). Invitae Evidence Modeling of protein sequence and biophysical properties (such as structural, functional, and spatial information, amino acid conservation, physicochemical variation, residue mobility, and thermodynamic stability) has been performed for this missense variant. However, the output from this modeling did not meet the statistical confidence thresholds required to predict the impact of this variant on FKRP protein function. For these reasons, this variant has been classified as Pathogenic.

Literature cited by the submitters: PubMed 1464708; PubMed 16344347; PubMed 18645206; PubMed 21293871.